The following is an entry in ClinVar:

NM_004628.5(XPC):c.656A>G (p.Tyr219Cys)

Gene: XPC (XPC complex subunit, DNA damage recognition and repair factor; minus strand). Cytogenetic location: 3p25.1.
Variant type: single nucleotide variant.
Coding change: c.656A>G on transcript NM_004628.5 (MANE Select); coding-DNA position 656, A replaced by G.
Protein change: p.Tyr219Cys; replaces tyrosine 219 with cysteine.
Molecular consequence: missense variant. On other transcripts: non-coding transcript variant (2).
Genome position (GRCh38, 1-based): chr3:14,165,551, T>C on the plus strand (A>G on the coding strand, the complement: XPC is on the minus strand). VCF-style: chr3-14165551-T-C. GRCh37 (hg19) VCF-style: chr3-14207051-T-C.
Other names: c.77A>G, p.Tyr26Cys (NM_001354726.2); c.656A>G, p.Tyr219Cys (NM_001354727.2, NM_001354730.2); c.638A>G, p.Tyr213Cys (NM_001354729.2); short protein forms Y213C, Y219C, Y26C.
Identifiers: ClinVar variation 4888098 (VCV004888098.1).

ClinVar aggregate classification (germline): Uncertain significance (1 of 4 stars; one submission).

Submission:

GeneDx
Classification: Uncertain significance. Last evaluated: 2026-01-28. Review status: criteria provided, single submitter. Criteria: GeneDx Variant Classification Process June 2021. Collection method: clinical testing. Allele origin: germline.
Comment: Not observed at significant frequency in large population cohorts (gnomAD); In silico analysis supports that this missense variant has a deleterious effect on protein structure/function; Has not been previously published as pathogenic or benign to our knowledge